The following is an entry in ClinVar:

NM_012213.3(MLYCD):c.31A>G (p.Arg11Gly)

Genes: MLYCD (malonyl-CoA decarboxylase; plus strand), LOC130059554 (ATAC-STARR-seq lymphoblastoid silent region 7769; plus strand). Cytogenetic location: 16q23.3.
Variant type: single nucleotide variant.
Coding change: c.31A>G on transcript NM_012213.3 (MANE Select); coding-DNA position 31, A replaced by G.
Protein change: p.Arg11Gly; replaces arginine 11 with glycine.
Molecular consequence: missense variant.
Genome position (GRCh38, 1-based): chr16:83,899,175, A>G. VCF-style: chr16-83899175-A-G. GRCh37 (hg19) VCF-style: chr16-83932780-A-G.
Other names: p.R11G:AGG>GGG; short protein forms R11G.
Identifiers: ClinVar variation 138234 (VCV000138234.20), dbSNP rs138107830, ClinGen allele CA292110.

ClinVar aggregate classification (germline): Benign/Likely benign. Review status: criteria provided, multiple submitters, no conflicts (2 of 4 stars). 8 submissions from 8 submitters: Benign (5); Likely benign (1). 2 of the submissions do not count toward it. Last evaluated 2026-02-02.

Conditions:
Deficiency of malonyl-CoA decarboxylase. Also called: Malonic aciduria; MCD deficiency. Identifiers: Orphanet 943, MedGen C0342793, MONDO:0009556, OMIM 248360.

Allele frequency attached by ClinVar (database versions not stated): 1000 Genomes Project 30x 0.01530; gnomAD exomes 0.02293 and 0.04827; 1000 Genomes Project 0.02636; TOPMed 0.02849; gnomAD 0.02930 and 0.03048; ExAC 0.05755.
gnomAD v4.1: 53,101 of 1,165,826 alleles (4.6%); highest among the groups gnomAD compares: Non-Finnish European, 5.2%; 1,372 homozygotes.

Submissions (8):

Labcorp Genetics (formerly Invitae), Labcorp
Classification: Benign for Deficiency of malonyl-CoA decarboxylase. Last evaluated: 2026-02-02. Review status: criteria provided, single submitter. Criteria: Invitae Variant Classification Sherloc (09022015). Collection method: clinical testing. Allele origin: germline.

ARUP Laboratories, Molecular Genetics and Genomics, ARUP Laboratories
Classification: Benign for Deficiency of malonyl-CoA decarboxylase. Last evaluated: 2025-03-05. Review status: criteria provided, single submitter. Criteria: ARUP Molecular Germline Variant Investigation Process 2024. Collection method: clinical testing. Allele origin: germline.

Blueprint Genetics
Classification: Likely benign. Last evaluated: 2024-11-27. Review status: criteria provided, single submitter. Criteria: ACMG Guidelines, 2015. Collection method: clinical testing. Allele origin: germline.

Illumina Laboratory Services, Illumina
Classification: Benign for Deficiency of malonyl-CoA decarboxylase. Last evaluated: 2018-01-13. Review status: criteria provided, single submitter. Criteria: ICSL Variant Classification Criteria 13 December 2019. Collection method: clinical testing. Allele origin: germline.
Comment: This variant was observed in the ICSL laboratory as part of a predisposition screen in an ostensibly healthy population. It had not been previously curated by ICSL or reported in the Human Gene Mutation Database (HGMD: prior to June 1st, 2018), and was therefore a candidate for classification through an automated scoring system. Utilizing variant allele frequency, disease prevalence and penetrance estimates, and inheritance mode, an automated score was calculated to assess if this variant is too frequent to cause the disease. Based on the score and internal cut-off values, a variant classified as benign is not then subjected to further curation. The score for this variant resulted in a classification of benign for this disease.

GeneDx
Classification: Benign. Last evaluated: 2013-09-09. Review status: criteria provided, single submitter. Criteria: GeneDx Variant Classification (06012015). Collection method: clinical testing. Allele origin: germline. Affected: yes.
Comment: This variant is considered likely benign or benign based on one or more of the following criteria: it is a conservative change, it occurs at a poorly conserved position in the protein, it is predicted to be benign by multiple in silico algorithms, and/or has population frequency not consistent with disease.

Breakthrough Genomics
Classification: Benign. Review status: criteria provided, single submitter. Criteria: ACMG Guidelines, 2015. Collection method: not provided. Allele origin: germline. Inheritance: Autosomal recessive inheritance. Affected: yes.

Clinical Genetics, Academic Medical Center
Classification: Benign. Review status: no assertion criteria provided. Collection method: clinical testing. Allele origin: germline. Affected: yes. Study: VKGL Data-share Consensus. Not counted in ClinVar's aggregate classification.

Laboratory of Diagnostic Genome Analysis, Leiden University Medical Center (LUMC)
Classification: Likely benign. Review status: no assertion criteria provided. Collection method: clinical testing. Allele origin: germline. Affected: yes. Study: VKGL Data-share Consensus. Not counted in ClinVar's aggregate classification.